The following is an entry in ClinVar:

NM_018161.5(NADSYN1):c.862C>T (p.Arg288Ter)

Gene: NADSYN1 (NAD synthetase 1; plus strand). Cytogenetic location: 11q13.4.
Variant type: single nucleotide variant.
Coding change: c.862C>T on transcript NM_018161.5 (MANE Select); coding-DNA position 862, C replaced by T.
Protein change: p.Arg288Ter; replaces arginine 288 with a stop codon.
Molecular consequence: nonsense.
Genome position (GRCh38, 1-based): chr11:71,478,458, C>T. VCF-style: chr11-71478458-C-T. GRCh37 (hg19) VCF-style: chr11-71189504-C-T.
Other names: short protein forms R288*.
Identifiers: ClinVar variation 4527052 (VCV004527052.1).

ClinVar aggregate classification (germline): Pathogenic (1 of 4 stars; one submission).

gnomAD v4.1: 26 of 1,604,578 alleles (0.0016%); highest among the groups gnomAD compares: African/African-American, 0.004%; no homozygotes.

Submission:

GeneDx
Classification: Pathogenic. Last evaluated: 2025-05-07. Review status: criteria provided, single submitter. Criteria: GeneDx Variant Classification Process June 2021. Collection method: clinical testing. Allele origin: germline. Affected: yes.
Comment: Nonsense variant predicted to result in protein truncation or nonsense mediated decay in a gene for which loss of function is a known mechanism of disease; Has not been previously published as pathogenic or benign to our knowledge